The following is an entry in ClinVar:

NM_022124.6(CDH23):c.9489del (p.Leu3162_Trp3163insTer)

Gene: CDH23 (cadherin related 23; plus strand). Cytogenetic location: 10q22.1.
Variant type: Deletion.
Coding change: c.9489del on transcript NM_022124.6 (MANE Select); coding-DNA position 9489, one base deleted (G; older notation c.9489delG).
Protein change: p.Leu3162_Trp3163insTer.
Molecular consequence: nonsense.
Genome position (GRCh38, 1-based): chr10:71,812,588, G deleted; the last of 2 consecutive G bases (chr10:71,812,587-71,812,588); deleting either gives the same sequence. VCF-style (leftmost placement, unchanged base first): chr10-71812586-TG-T. GRCh37 (hg19) VCF-style: chr10-73572343-TG-T.
Other names: c.2769del, p.Leu922_Trp923insTer (NM_001171933.1, NM_001171934.1); c.180del, p.Leu59_Trp60insTer (NM_001171935.1, NM_001171936.1).
Identifiers: ClinVar variation 1451997 (VCV001451997.6), dbSNP rs1841976391, ClinGen allele CA1918892406.

ClinVar aggregate classification (germline): Pathogenic (1 of 4 stars; one submission).

Submission:

Labcorp Genetics (formerly Invitae), Labcorp
Classification: Pathogenic. Last evaluated: 2021-08-03. Review status: criteria provided, single submitter. Criteria: Invitae Variant Classification Sherloc (09022015). Collection method: clinical testing. Allele origin: germline.
Comment: This variant has not been reported in the literature in individuals affected with CDH23-related conditions. This variant is not present in population databases (ExAC no frequency). This sequence change creates a premature translational stop signal (p.Trp3163*) in the CDH23 gene. It is expected to result in an absent or disrupted protein product. Loss-of-function variants in CDH23 are known to be pathogenic (PMID: 11138009, 21940737). For these reasons, this variant has been classified as Pathogenic.

Literature cited by the submitters: PubMed 11138009; PubMed 21940737.